The following is an entry in ClinVar:

NM_018136.5(ASPM):c.3960_3961insA (p.Val1321fs)

Gene: ASPM (assembly factor for spindle microtubules; minus strand). Cytogenetic location: 1q31.3.
Variant type: Insertion.
Coding change: c.3960_3961insA on transcript NM_018136.5 (MANE Select); coding-DNA positions 3960 to 3961, A inserted.
Protein change: p.Val1321fs; shifts the reading frame from valine 1321.
Molecular consequence: frameshift variant.
Genome position: GRCh38 VCF-style: chr1-197117893-C-CT. GRCh37 (hg19) VCF-style: chr1-197087023-C-CT.
Other names: c.3960_3961insA, p.Val1321fs (NM_001206846.2); short protein forms V1321fs.
Identifiers: ClinVar variation 210355 (VCV000210355.8), dbSNP rs759632528, ClinGen allele CA277070.

ClinVar aggregate classification (germline): Pathogenic. Review status: criteria provided, multiple submitters, no conflicts (2 of 4 stars). 2 submissions from 2 submitters: Pathogenic (2). Last evaluated 2024-07-31.

Conditions:
Microcephaly 5, primary, autosomal recessive (MCPH5). Also called: ASPM Primary Microcephaly. Identifiers: Orphanet 2512, MedGen C1837501, MONDO:0012106, OMIM 608716.

Allele frequency attached by ClinVar (database versions not stated): gnomAD exomes below 0.00001 and 0.00001; ExAC 0.00001.

Submissions (2):

Labcorp Genetics (formerly Invitae), Labcorp
Classification: Pathogenic. Last evaluated: 2024-07-31. Review status: criteria provided, single submitter. Criteria: Invitae Variant Classification Sherloc (09022015). Collection method: clinical testing. Allele origin: germline.
Comment: This sequence change creates a premature translational stop signal (p.Val1321Serfs*29) in the ASPM gene. It is expected to result in an absent or disrupted protein product. Loss-of-function variants in ASPM are known to be pathogenic (PMID: 19028728, 23611254). This variant is present in population databases (rs759632528, gnomAD 0.009%). This premature translational stop signal has been observed in individual(s) with ASPM-related conditions (PMID: 23611254). ClinVar contains an entry for this variant (Variation ID: 210355). For these reasons, this variant has been classified as Pathogenic.

Genetic Services Laboratory, University of Chicago
Classification: Pathogenic for Microcephaly 5, primary, autosomal recessive. Last evaluated: 2013-02-08. Review status: criteria provided, single submitter. Criteria: ACMG Guidelines, 2007. Collection method: clinical testing. Allele origin: germline. Affected: yes.

Literature cited by the submitters: PubMed 19028728 (cited by Labcorp Genetics (formerly Invitae), Labcorp); PubMed 23611254 (cited by Labcorp Genetics (formerly Invitae), Labcorp).